The following is an entry in ClinVar:

NM_003482.4(KMT2D):c.9565G>C (p.Gly3189Arg)

Gene: KMT2D (lysine methyltransferase 2D; minus strand). Cytogenetic location: 12q13.12.
Variant type: single nucleotide variant.
Coding change: c.9565G>C on transcript NM_003482.4 (MANE Select); coding-DNA position 9565, G replaced by C.
Protein change: p.Gly3189Arg; replaces glycine 3189 with arginine.
Molecular consequence: missense variant.
Genome position (GRCh38, 1-based): chr12:49,037,791, C>G on the plus strand (G>C on the coding strand, the complement: KMT2D is on the minus strand). VCF-style: chr12-49037791-C-G. GRCh37 (hg19) VCF-style: chr12-49431574-C-G.
Other names: c.9565G>C (NM_003482.3); short protein forms G3189R.
Identifiers: ClinVar variation 1083834 (VCV001083834.11), dbSNP rs774803178, ClinGen allele CA6546669.

ClinVar aggregate classification (germline): Likely benign. Review status: criteria provided, multiple submitters, no conflicts (2 of 4 stars). 3 submissions from 3 submitters: Likely benign (3). Last evaluated 2025-07-30.

Conditions:
KMT2D-related disorder. Also called: KMT2D-Related Disorders.
Kabuki syndrome. Also called: NIIKAWA-KUROKI SYNDROME; Kabuki make-up syndrome. Identifiers: Orphanet 2322, MedGen C0796004, MONDO:0016512.

Allele frequency attached by ClinVar (database versions not stated): gnomAD exomes 0.00003 and 0.00007; ExAC 0.00021.

Submissions (3):

Labcorp Genetics (formerly Invitae), Labcorp
Classification: Likely benign for Kabuki syndrome. Last evaluated: 2025-07-30. Review status: criteria provided, single submitter. Criteria: Invitae Variant Classification Sherloc (09022015). Collection method: clinical testing. Allele origin: germline.

PreventionGenetics, part of Exact Sciences
Classification: Likely benign for KMT2D-related condition. Last evaluated: 2025-06-01. Review status: criteria provided, single submitter. Criteria: ACMG Guidelines, 2015. Collection method: clinical testing. Allele origin: germline.
Comment: This variant is classified as likely benign based on ACMG/AMP sequence variant interpretation guidelines (Richards et al. 2015 PMID: 25741868, with internal and published modifications).

Blueprint Genetics
Classification: Likely benign. Last evaluated: 2023-08-24. Review status: criteria provided, single submitter. Criteria: ACMG Guidelines, 2015. Collection method: clinical testing. Allele origin: germline.